The following is an entry in ClinVar:

NM_153240.5(NPHP3):c.3515A>G (p.Asp1172Gly)

Genes: NPHP3 (nephrocystin 3; minus strand), NPHP3-ACAD11 (NPHP3-ACAD11 readthrough (NMD candidate); minus strand). Cytogenetic location: 3q22.1.
Variant type: single nucleotide variant.
Coding change: c.3515A>G on transcript NM_153240.5 (MANE Select); coding-DNA position 3515, A replaced by G.
Protein change: p.Asp1172Gly; replaces aspartic acid 1172 with glycine.
Molecular consequence: missense variant. On other transcripts: non-coding transcript variant (1).
Genome position (GRCh38, 1-based): chr3:132,684,609, T>C on the plus strand (A>G on the coding strand, the complement: NPHP3 is on the minus strand). VCF-style: chr3-132684609-T-C. GRCh37 (hg19) VCF-style: chr3-132403453-T-C.
Other names: short protein forms D1172G.
Identifiers: ClinVar variation 1412164 (VCV001412164.5), dbSNP rs2107963298, ClinGen allele CA354578839.

ClinVar aggregate classification (germline): Uncertain significance (1 of 4 stars; one submission).

Conditions:
Nephronophthisis. Also called: Juvenile Nephronophthisis. Identifiers: Orphanet 655, MedGen C0687120, MONDO:0019005, HP:0000090.

Allele frequency attached by ClinVar (database versions not stated): gnomAD exomes below 0.00001.
gnomAD v4.1: 2 of 1,614,054 alleles (0.00012%); highest among the groups gnomAD compares: Non-Finnish European, 0.00017%; no homozygotes.

Submission:

Labcorp Genetics (formerly Invitae), Labcorp
Classification: Uncertain significance for Nephronophthisis. Last evaluated: 2023-07-14. Review status: criteria provided, single submitter. Criteria: Invitae Variant Classification Sherloc (09022015). Collection method: clinical testing. Allele origin: germline.
Comment: In summary, the available evidence is currently insufficient to determine the role of this variant in disease. Therefore, it has been classified as a Variant of Uncertain Significance. Advanced modeling of protein sequence and biophysical properties (such as structural, functional, and spatial information, amino acid conservation, physicochemical variation, residue mobility, and thermodynamic stability) performed at Invitae indicates that this missense variant is not expected to disrupt NPHP3 protein function. ClinVar contains an entry for this variant (Variation ID: 1412164). This variant has not been reported in the literature in individuals affected with NPHP3-related conditions. This variant is not present in population databases (gnomAD no frequency). This sequence change replaces aspartic acid, which is acidic and polar, with glycine, which is neutral and non-polar, at codon 1172 of the NPHP3 protein (p.Asp1172Gly).